The following is an entry in ClinVar:

NM_001384732.1(CPLANE1):c.7320del (p.Gly2441fs)

Gene: CPLANE1 (ciliogenesis and planar polarity effector complex subunit 1; minus strand). Cytogenetic location: 5p13.2.
Variant type: Deletion.
Coding change: c.7320del on transcript NM_001384732.1 (MANE Select); coding-DNA position 7320, one base deleted (A; older notation c.7320delA).
Protein change: p.Gly2441fs; shifts the reading frame from glycine 2441.
Molecular consequence: frameshift variant.
Genome position (GRCh38, 1-based): chr5:37,167,127, T deleted on the plus strand (A on the coding strand, the reverse complement: CPLANE1 is on the minus strand); the first of 2 consecutive T bases (chr5:37,167,127-37,167,128); deleting either gives the same sequence. VCF-style (leftmost placement, unchanged base first): chr5-37167126-CT-C. GRCh37 (hg19) VCF-style: chr5-37167228-CT-C.
Other names: c.7320del, p.Gly2441fs (NM_023073.4); short protein forms G2441fs.
Identifiers: ClinVar variation 1453802 (VCV001453802.6), dbSNP rs2150897800, ClinGen allele CA2573139719.
Genomic context (GRCh38, chr5:37,167,126, plus strand): 5'-CTTGTCTTACTTCAGGTGGTTCTATTTTGACCTTTAGAAGTTGAAGGTGTCCAGCATCAC[CT>C]TGTTCAAATAAATTATGTGTTAGTTTCTGTTGGCTTTGTTTAAACGCAATGAGGTTTTCA-3'

ClinVar aggregate classification (germline): Pathogenic (1 of 4 stars; one submission).

Submission:

Labcorp Genetics (formerly Invitae), Labcorp
Classification: Pathogenic. Last evaluated: 2021-10-23. Review status: criteria provided, single submitter. Criteria: Invitae Variant Classification Sherloc (09022015). Collection method: clinical testing. Allele origin: germline.
Comment: For these reasons, this variant has been classified as Pathogenic. Algorithms developed to predict the effect of sequence changes on RNA splicing suggest that this variant may create or strengthen a splice site. This variant has not been reported in the literature in individuals affected with C5orf42-related conditions. This variant is not present in population databases (ExAC no frequency). This sequence change creates a premature translational stop signal (p.Gly2441Valfs*9) in the C5orf42 gene. It is expected to result in an absent or disrupted protein product. Loss-of-function variants in C5orf42 are known to be pathogenic (PMID: 24178751, 26092869).

Literature cited by the submitters: PubMed 24178751; PubMed 26092869.